The following is an entry in ClinVar:

ClinVar aggregate classification (germline): Uncertain significance (1 of 4 stars; one submission).

Conditions:
Inborn genetic diseases. Identifiers: MedGen C0950123, MeSH D030342.

Submission:

Ambry Genetics
Classification: Uncertain significance for Inborn genetic diseases. Last evaluated: 2026-03-08. Review status: criteria provided, single submitter. Criteria: Ambry Variant Classification Scheme 2023. Collection method: clinical testing. Allele origin: germline.
Comment: The p.A957S variant (also known as c.2869G>T), located in coding exon 22 of the BUB1B gene, results from a G to T substitution at nucleotide position 2869. The alanine at codon 957 is replaced by serine, an amino acid with similar properties. This amino acid position is conserved. In addition, the in silico prediction for this alteration is inconclusive. Based on the available evidence, the clinical significance of this variant remains unclear.

NM_001211.6(BUB1B):c.2869G>T (p.Ala957Ser)

Genes: BUB1B (BUB1 mitotic checkpoint serine/threonine kinase B; plus strand), BUB1B-PAK6 (BUB1B-PAK6 readthrough; plus strand). Cytogenetic location: 15q15.1.
Variant type: single nucleotide variant.
Coding change: c.2869G>T on transcript NM_001211.6 (MANE Select); coding-DNA position 2869, G replaced by T.
Protein change: p.Ala957Ser; replaces alanine 957 with serine.
Molecular consequence: missense variant. On other transcripts: intron variant (2).
Genome position (GRCh38, 1-based): chr15:40,218,474, G>T. VCF-style: chr15-40218474-G-T. GRCh37 (hg19) VCF-style: chr15-40510675-G-T.
Other names: c.-201+807G>T (NM_001128628.3); c.-118+807G>T (NM_001128629.3); short protein forms A957S.
Identifiers: ClinVar variation 4826654 (VCV004826654.1).